The following is an entry in ClinVar:

ClinVar aggregate classification (germline): Likely benign (1 of 4 stars; one submission).

Conditions:
Long QT syndrome (LQTS). Identifiers: MedGen C0023976, MeSH D008133, MONDO:0002442. Disease mechanism: loss of function. Inheritance: Various modes of inheritance.

Submissions (2):

Labcorp Genetics (formerly Invitae), Labcorp
Classification: Likely benign for Long QT syndrome. Last evaluated: 2021-03-11. Review status: criteria provided, single submitter. Criteria: Invitae Variant Classification Sherloc (09022015). Collection method: clinical testing. Allele origin: germline.

Roden Lab, Vanderbilt University Medical Center
No classification provided (evidence only). Condition: Long QT syndrome 5. Review status: no classification provided. Collection method: in vitro. Allele origin: not applicable. Functional consequence: Effect on ion channel function. Not counted in ClinVar's aggregate classification.
ClinVar note: "not provided" was previously submitted as the classification for the variant. However, the classification appeared to be based only on an observation of functional data so it was converted to no classification on 2025-07-30.

NM_000219.6(KCNE1):c.75C>A (p.Gly25=)

Gene: KCNE1 (potassium voltage-gated channel subfamily E regulatory subunit 1; minus strand). Cytogenetic location: 21q22.12.
Variant type: single nucleotide variant.
Coding change: c.75C>A on transcript NM_000219.6 (MANE Select); coding-DNA position 75, C replaced by A.
Protein change: p.Gly25=; no amino-acid change (glycine 25 retained).
Molecular consequence: synonymous variant.
Genome position (GRCh38, 1-based): chr21:34,449,560, G>T on the plus strand (C>A on the coding strand, the complement: KCNE1 is on the minus strand). VCF-style: chr21-34449560-G-T. GRCh37 (hg19) VCF-style: chr21-35821858-G-T.
Other names: c.75C>A, p.Gly25= (NM_001127668.4, NM_001127669.4, NM_001127670.4 and 4 more transcripts).
Identifiers: ClinVar variation 1668685 (VCV001668685.10), dbSNP rs753064398, ClinGen allele CA1022001524.